The following is an entry in ClinVar:

NM_000264.5(PTCH1):c.1892C>G (p.Thr631Ser)

Genes: PTCH1 (patched 1; minus strand), LOC100507346 (uncharacterized LOC100507346; plus strand). Cytogenetic location: 9q22.32.
Variant type: single nucleotide variant.
Coding change: c.1892C>G on transcript NM_000264.5 (MANE Select); coding-DNA position 1892, C replaced by G.
Protein change: p.Thr631Ser; replaces threonine 631 with serine.
Molecular consequence: missense variant. On other transcripts: non-coding transcript variant (2).
Genome position (GRCh38, 1-based): chr9:95,469,109, G>C on the plus strand (C>G on the coding strand, the complement: PTCH1 is on the minus strand). VCF-style: chr9-95469109-G-C. GRCh37 (hg19) VCF-style: chr9-98231391-G-C.
Other names: c.1694C>G, p.Thr565Ser (NM_001083602.3); c.1889C>G, p.Thr630Ser (NM_001083603.3); c.1439C>G, p.Thr480Ser (NM_001083604.3, NM_001083605.3, NM_001083606.3 and 1 more transcripts); c.1736C>G, p.Thr579Ser (NM_001354918.2); short protein forms T480S, T565S, T579S, T630S, T631S.
Identifiers: ClinVar variation 3240216 (VCV003240216.2), dbSNP rs727504112.

ClinVar aggregate classification (germline): Uncertain significance. Review status: criteria provided, multiple submitters, no conflicts (2 of 4 stars). 2 submissions from 2 submitters: Uncertain significance (2). Last evaluated 2026-09-04.

Conditions:
Basal cell carcinoma, susceptibility to, 1. Also called: BCC1. Identifiers: MedGen C2751544, MONDO:0011556, OMIM 605462.
Hereditary cancer-predisposing syndrome. Also called: Neoplastic Syndromes, Hereditary; Tumor predisposition; Hereditary Cancer Syndrome; Hereditary neoplastic syndrome. Identifiers: Orphanet 140162, MedGen C0027672, MeSH D009386, MONDO:0015356.

Submissions (2):

Ambry Genetics
Classification: Uncertain significance for Hereditary cancer-predisposing syndrome. Last evaluated: 2026-09-04. Review status: criteria provided, single submitter. Criteria: Ambry Variant Classification Scheme 2023. Collection method: clinical testing. Allele origin: germline.
Comment: The p.T631S variant (also known as c.1892C>G), located in coding exon 14 of the PTCH1 gene, results from a C to G substitution at nucleotide position 1892. The threonine at codon 631 is replaced by serine, an amino acid with similar properties. This amino acid position is conserved. In addition, this alteration is predicted to be tolerated by in silico analysis. Based on the available evidence, the clinical significance of this variant remains unclear.

Baylor Genetics
Classification: Uncertain significance for Basal cell carcinoma, susceptibility to, 1. Last evaluated: 2024-01-24. Review status: criteria provided, single submitter. Criteria: ACMG Guidelines, 2015. Collection method: clinical testing. Allele origin: unknown.